The following is an entry in ClinVar:

NM_007194.4(CHEK2):c.794A>C (p.Asp265Ala)

Gene: CHEK2 (checkpoint kinase 2; minus strand). Cytogenetic location: 22q12.1.
Variant type: single nucleotide variant.
Coding change: c.794A>C on transcript NM_007194.4 (MANE Select); coding-DNA position 794, A replaced by C.
Protein change: p.Asp265Ala; replaces aspartic acid 265 with alanine.
Molecular consequence: missense variant.
Genome position (GRCh38, 1-based): chr22:28,710,058, T>G on the plus strand (A>C on the coding strand, the complement: CHEK2 is on the minus strand). VCF-style: chr22-28710058-T-G. GRCh37 (hg19) VCF-style: chr22-29106046-T-G.
Other names: c.923A>C, p.Asp308Ala (NM_001005735.3); c.131A>C, p.Asp44Ala (NM_001257387.3); c.593A>C, p.Asp198Ala (NM_001349956.3); c.794A>C, p.Asp265Ala (NM_145862.3); short protein forms D44A, D198A, D265A, D308A.
Identifiers: ClinVar variation 2775072 (VCV002775072.3), dbSNP rs2053337433, ClinGen allele CA411102515.

ClinVar aggregate classification (germline): Uncertain significance. Review status: criteria provided, multiple submitters, no conflicts (2 of 4 stars). 2 submissions from 2 submitters: Uncertain significance (2). Last evaluated 2024-05-21.

Conditions:
Hereditary cancer-predisposing syndrome. Also called: Neoplastic Syndromes, Hereditary; Tumor predisposition; Hereditary Cancer Syndrome; Hereditary neoplastic syndrome. Identifiers: Orphanet 140162, MedGen C0027672, MeSH D009386, MONDO:0015356.
Familial cancer of breast. Also called: Hereditary breast cancer; BREAST CANCER, FAMILIAL; hereditary breast carcinoma. Identifiers: Orphanet 227535, MedGen C0346153, MONDO:0016419, OMIM 114480. Disease mechanism: loss of function.

Submissions (2):

Labcorp Genetics (formerly Invitae), Labcorp
Classification: Uncertain significance for Familial cancer of breast. Last evaluated: 2024-05-21. Review status: criteria provided, single submitter. Criteria: Invitae Variant Classification Sherloc (09022015). Collection method: clinical testing. Allele origin: germline.
Comment: This sequence change replaces aspartic acid, which is acidic and polar, with alanine, which is neutral and non-polar, at codon 265 of the CHEK2 protein (p.Asp265Ala). This variant is not present in population databases (gnomAD no frequency). This variant has not been reported in the literature in individuals affected with CHEK2-related conditions. An algorithm developed to predict the effect of missense changes on protein structure and function (PolyPhen-2) suggests that this variant is likely to be tolerated. In summary, the available evidence is currently insufficient to determine the role of this variant in disease. Therefore, it has been classified as a Variant of Uncertain Significance.

Color Diagnostics, LLC DBA Color Health
Classification: Uncertain significance for Hereditary cancer-predisposing syndrome. Last evaluated: 2023-04-17. Review status: criteria provided, single submitter. Criteria: ACMG Guidelines, 2015. Collection method: clinical testing. Allele origin: germline.
Comment: This missense variant replaces aspartic acid with alanine at codon 265 of the CHEK2 protein. Computational prediction suggests that this variant may not impact protein structure and function (internally defined REVEL score threshold <= 0.5, PMID: 27666373). To our knowledge, functional studies have not been reported for this variant. This variant has not been reported in individuals affected with CHEK2-related disorders in the literature. This variant has not been identified in the general population by the Genome Aggregation Database (gnomAD). The available evidence is insufficient to determine the role of this variant in disease conclusively. Therefore, this variant is classified as a Variant of Uncertain Significance.